The following is an entry in ClinVar:

ClinVar aggregate classification (germline): Conflicting classifications of pathogenicity. Review status: criteria provided, conflicting classifications (1 of 4 stars). 7 submissions from 7 submitters: Uncertain significance (6); Likely benign (1). Last evaluated 2025-12-12.

Conditions:
Brittle cornea syndrome 1 (BCS1). Also called: DYSGENESIS MESODERMALIS CORNEAE ET SCLERAE; CORNEAL FRAGILITY, KERATOGLOBUS, BLUE SCLERAE, JOINT HYPEREXTENSIBILITY; EDS6B; FRAGILITAS OCULI WITH JOINT HYPEREXTENSIBILITY; Corneal fragility keratoglobus, blue sclerae AND joint hypermobility. Identifiers: Orphanet 90354, MedGen C0268344, MONDO:0024543, OMIM 229200.
Cardiovascular phenotype. Identifiers: MedGen CN230736.

Allele frequency attached by ClinVar (database versions not stated): TOPMed 0.00008; gnomAD 0.00010 and 0.00011; ExAC 0.00016.
gnomAD v4.1: 377 of 1,548,938 alleles (0.024%); highest among the groups gnomAD compares: Non-Finnish European, 0.032%; no homozygotes.

Submissions (7):

Mayo Clinic Laboratories, Mayo Clinic
Classification: Uncertain significance. Last evaluated: 2025-12-12. Review status: criteria provided, single submitter. Criteria: ACMG Guidelines, 2015. Collection method: clinical testing. Allele origin: germline. Observed: 1 variant allele.
Comment: BP4_moderate

Women's Health and Genetics/Laboratory Corporation of America, LabCorp
Classification: Uncertain significance. Last evaluated: 2024-12-04. Review status: criteria provided, single submitter. Criteria: LabCorp Variant Classification Summary - May 2015. Collection method: clinical testing. Allele origin: germline.
Comment: Variant summary: ZNF469 c.2693C>T (p.Pro898Leu) results in a non-conservative amino acid change in the encoded protein sequence. Three of five in-silico tools predict a benign effect of the variant on protein function. The variant allele was found at a frequency of 0.00014 in 146354 control chromosomes. This frequency is not significantly higher than estimated for a pathogenic variant in ZNF469 causing Brittle cornea syndrome 1, allowing no conclusion about variant significance. To our knowledge, no occurrence of c.2693C>T in individuals affected with Brittle cornea syndrome 1 and no experimental evidence demonstrating its impact on protein function have been reported. ClinVar contains an entry for this variant (Variation ID: 320890). Based on the evidence outlined above, the variant was classified as uncertain significance.

Blueprint Genetics
Classification: Uncertain significance. Last evaluated: 2024-10-29. Review status: criteria provided, single submitter. Criteria: ACMG Guidelines, 2015. Collection method: clinical testing. Allele origin: germline.

Ambry Genetics
Classification: Likely benign for Cardiovascular phenotype. Last evaluated: 2024-07-30. Review status: criteria provided, single submitter. Criteria: Ambry Variant Classification Scheme 2023. Collection method: clinical testing. Allele origin: germline.

GeneDx
Classification: Uncertain significance. Last evaluated: 2023-01-05. Review status: criteria provided, single submitter. Criteria: GeneDx Variant Classification Process June 2021. Collection method: clinical testing. Allele origin: germline. Affected: yes.
Comment: Has not been previously published as pathogenic or benign to our knowledge; In silico analysis supports that this missense variant does not alter protein structure/function

Labcorp Genetics (formerly Invitae), Labcorp
Classification: Uncertain significance. Last evaluated: 2022-06-27. Review status: criteria provided, single submitter. Criteria: Invitae Variant Classification Sherloc (09022015). Collection method: clinical testing. Allele origin: germline.
Comment: This sequence change replaces proline, which is neutral and non-polar, with leucine, which is neutral and non-polar, at codon 898 of the ZNF469 protein (p.Pro898Leu). This variant is present in population databases (rs754458926, gnomAD 0.03%). This variant has not been reported in the literature in individuals affected with ZNF469-related conditions. ClinVar contains an entry for this variant (Variation ID: 320890). Algorithms developed to predict the effect of missense changes on protein structure and function (SIFT, PolyPhen-2, Align-GVGD) all suggest that this variant is likely to be tolerated. In summary, the available evidence is currently insufficient to determine the role of this variant in disease. Therefore, it has been classified as a Variant of Uncertain Significance.

Fulgent Genetics
Classification: Uncertain significance for Brittle cornea syndrome 1. Last evaluated: 2021-12-16. Review status: criteria provided, single submitter. Criteria: ACMG Guidelines, 2015. Collection method: clinical testing. Allele origin: unknown.

NM_001367624.2(ZNF469):c.2693C>T (p.Pro898Leu)

Gene: ZNF469 (zinc finger protein 469; plus strand). Cytogenetic location: 16q24.2.
Variant type: single nucleotide variant.
Coding change: c.2693C>T on transcript NM_001367624.2 (MANE Select); coding-DNA position 2693, C replaced by T.
Protein change: p.Pro898Leu; replaces proline 898 with leucine.
Molecular consequence: missense variant.
Genome position (GRCh38, 1-based): chr16:88,430,163, C>T. VCF-style: chr16-88430163-C-T. GRCh37 (hg19) VCF-style: chr16-88496571-C-T.
Other names: p.Pro898Leu; short protein forms P898L.
Identifiers: ClinVar variation 320890 (VCV000320890.17), dbSNP rs754458926, ClinGen allele CA8224793.